The following is an entry in ClinVar:

ClinVar aggregate classification (germline): Conflicting classifications of pathogenicity. Review status: criteria provided, conflicting classifications (1 of 4 stars). 10 submissions from 10 submitters: Uncertain significance (2); Benign (2); Likely benign (4). 2 of the submissions do not count toward it. Last evaluated 2026-09-01.

Conditions:
Septo-optic dysplasia sequence (SOD). Also called: DE MORSIER SYNDROME; Septo-optic dysplasia. Identifiers: Orphanet 3157, MedGen C0338503, MONDO:0008428, OMIM 182230, HP:0100842.
GROWTH HORMONE DEFICIENCY WITH PITUITARY ANOMALIES. Identifiers: MedGen C2750027, OMIM 182230.

Allele frequency attached by ClinVar (database versions not stated): 1000 Genomes Project 0.00040; 1000 Genomes Project 30x 0.00062; ExAC 0.00086; gnomAD exomes 0.00099 and 0.00181; gnomAD 0.00120 and 0.00123; TOPMed 0.00120; ESP Exome Variant Server 0.00123.
gnomAD v4.1: 2,778 of 1,611,574 alleles (0.17%); highest among the groups gnomAD compares: Non-Finnish European, 0.22%; 2 homozygotes.

Submissions (10):

CeGaT Center for Human Genetics Tuebingen
Classification: Likely benign. Last evaluated: 2026-09-01. Review status: criteria provided, single submitter. Criteria: CeGaT Center For Human Genetics Tuebingen Variant Classification Criteria Version 2. Collection method: clinical testing. Allele origin: germline. Affected: yes. Observed: 4 variant alleles.
Comment: HESX1: BP4, BP7

Women's Health and Genetics/Laboratory Corporation of America, LabCorp
Classification: Likely benign. Last evaluated: 2026-02-17. Review status: criteria provided, single submitter. Criteria: LabCorp Variant Classification Summary - May 2015. Collection method: clinical testing. Allele origin: germline.

Labcorp Genetics (formerly Invitae), Labcorp
Classification: Likely benign for GROWTH HORMONE DEFICIENCY WITH PITUITARY ANOMALIES; Septo-optic dysplasia sequence. Last evaluated: 2026-01-05. Review status: criteria provided, single submitter. Criteria: Invitae Variant Classification Sherloc (09022015). Collection method: clinical testing. Allele origin: germline.

Laboratory of Genetics, Children's Clinical University Hospital Latvia
Classification: Benign. Last evaluated: 2025-02-16. Review status: criteria provided, single submitter. Criteria: ACMG Guidelines, 2015. Collection method: clinical testing. Allele origin: germline. Affected: yes.

Blueprint Genetics
Classification: Likely benign. Last evaluated: 2024-11-06. Review status: criteria provided, single submitter. Criteria: ACMG Guidelines, 2015. Collection method: clinical testing. Allele origin: germline.

Eurofins Ntd Llc (ga)
Classification: Uncertain significance. Last evaluated: 2017-06-08. Review status: criteria provided, single submitter. Criteria: EGL Classification Definitions 2015. Collection method: clinical testing. Allele origin: germline. Observed: 2 variant alleles, 2 heterozygotes.

Illumina Laboratory Services, Illumina
Classification: Uncertain significance for Septo-optic dysplasia sequence. Last evaluated: 2017-04-27. Review status: criteria provided, single submitter. Criteria: ICSL Variant Classification Criteria 13 December 2019. Collection method: clinical testing. Allele origin: germline.

Genomic Diagnostic Laboratory, Division of Genomic Diagnostics, Children's Hospital of Philadelphia
Classification: Benign. Last evaluated: 2015-05-05. Review status: criteria provided, single submitter. Criteria: DGD Variant Analysis Guidelines. Collection method: clinical testing. Allele origin: unknown.

Clinical Genetics, Academic Medical Center
Classification: Benign. Review status: no assertion criteria provided. Collection method: clinical testing. Allele origin: germline. Affected: yes. Study: VKGL Data-share Consensus. Not counted in ClinVar's aggregate classification.

Laboratory of Diagnostic Genome Analysis, Leiden University Medical Center (LUMC)
Classification: Likely benign. Review status: no assertion criteria provided. Collection method: clinical testing. Allele origin: germline. Affected: yes. Study: VKGL Data-share Consensus. Not counted in ClinVar's aggregate classification.

Literature cited by the submitters: PubMed 17148560 (cited by Eurofins Ntd Llc (ga)).

NM_003865.3(HESX1):c.525G>A (p.Ala175=)

Gene: HESX1 (HESX homeobox 1; minus strand). Cytogenetic location: 3p14.3.
Variant type: single nucleotide variant.
Coding change: c.525G>A on transcript NM_003865.3 (MANE Select); coding-DNA position 525, G replaced by A.
Protein change: p.Ala175=; no amino-acid change (alanine 175 retained).
Molecular consequence: synonymous variant.
Genome position (GRCh38, 1-based): chr3:57,198,230, C>T on the plus strand (G>A on the coding strand, the complement: HESX1 is on the minus strand). VCF-style: chr3-57198230-C-T. GRCh37 (hg19) VCF-style: chr3-57232258-C-T.
Identifiers: ClinVar variation 197222 (VCV000197222.47), dbSNP rs141063672, ClinGen allele CA245233.